The following is an entry in ClinVar:

ClinVar aggregate classification (germline): Uncertain significance (1 of 4 stars; one submission).

Conditions:
Hereditary cancer-predisposing syndrome. Also called: Neoplastic Syndromes, Hereditary; Tumor predisposition; Hereditary Cancer Syndrome; Hereditary neoplastic syndrome. Identifiers: Orphanet 140162, MedGen C0027672, MeSH D009386, MONDO:0015356.

Submission:

Ambry Genetics
Classification: Uncertain significance for Hereditary cancer-predisposing syndrome. Last evaluated: 2025-07-28. Review status: criteria provided, single submitter. Criteria: Ambry Variant Classification Scheme 2023. Collection method: clinical testing. Allele origin: germline.
Comment: The p.P597R variant (also known as c.1790C>G), located in coding exon 10 of the ATM gene, results from a C to G substitution at nucleotide position 1790. The proline at codon 597 is replaced by arginine, an amino acid with dissimilar properties. This amino acid position is conserved. In addition, this alteration is predicted to be deleterious by in silico analysis. Based on the available evidence, the clinical significance of this variant remains unclear.

NM_000051.4(ATM):c.1790C>G (p.Pro597Arg)

Gene: ATM (ATM serine/threonine kinase; plus strand). Cytogenetic location: 11q22.3.
Variant type: single nucleotide variant.
Coding change: c.1790C>G on transcript NM_000051.4 (MANE Select); coding-DNA position 1790, C replaced by G.
Protein change: p.Pro597Arg; replaces proline 597 with arginine.
Molecular consequence: missense variant.
Genome position (GRCh38, 1-based): chr11:108,252,019, C>G. VCF-style: chr11-108252019-C-G. GRCh37 (hg19) VCF-style: chr11-108122746-C-G.
Other names: c.1790C>G, p.Pro597Arg (NM_001351834.2); short protein forms P597R.
Identifiers: ClinVar variation 4169628 (VCV004169628.1).